The following is an entry in ClinVar:

ClinVar aggregate classification (germline): Uncertain significance. Review status: criteria provided, multiple submitters, no conflicts (2 of 4 stars). 5 submissions from 5 submitters: Uncertain significance (5). Last evaluated 2025-10-27.

Conditions:
Hereditary cancer-predisposing syndrome. Also called: Neoplastic Syndromes, Hereditary; Hereditary neoplastic syndrome; Hereditary Cancer Syndrome; Tumor predisposition. Identifiers: Orphanet 140162, MedGen C0027672, MeSH D009386, MONDO:0015356.
Gastrointestinal stromal tumor. Also called: Gastrointestinal stromal tumor, somatic; Gastrointestinal stroma tumor. Identifiers: Orphanet 44890, MedGen C0238198, MeSH D046152, MONDO:0011719, OMIM 606764, HP:0100723.
Pheochromocytoma. Also called: MAX-Related Hereditary Paraganglioma-Pheochromocytoma Syndrome. Identifiers: Orphanet 29072, MedGen C0031511, MONDO:0008233, OMIM 171300, HP:0002666.
Pheochromocytoma/paraganglioma syndrome 4. Also called: PARAGANGLIOMA, FAMILIAL MALIGNANT; PARAGANGLIOMAS, HEREDITARY EXTRAADRENAL; PHEOCHROMOCYTOMA, FAMILIAL EXTRAADRENAL; Paragangliomas 4; SDHB-Related Hereditary Paraganglioma-Pheochromocytoma Syndrome (Paragangliomas 4); SDHB-Related Hereditary Paraganglioma-Pheochromocytoma Syndrome. Identifiers: Orphanet 29072, MedGen C1861848, MONDO:0007273, OMIM 115310.
Hereditary pheochromocytoma and paraganglioma. Also called: Hereditary Paraganglioma-Pheochromocytoma Syndromes; Hereditary pheochromocytoma-paraganglioma; Hereditary paragangliomas and pheochromocytomas. Identifiers: Orphanet 29072, MedGen C4274332, MONDO:0017366.

Allele frequency attached by ClinVar (database versions not stated): gnomAD exomes below 0.00001; gnomAD 0.00001; TOPMed 0.00001.
gnomAD v4.1: 3 of 1,613,930 alleles (0.00019%); highest among the groups gnomAD compares: Non-Finnish European, 0.00025%; no homozygotes.

Submissions (5):

Labcorp Genetics (formerly Invitae), Labcorp
Classification: Uncertain significance for Gastrointestinal stromal tumor; Pheochromocytoma/paraganglioma syndrome 4; Pheochromocytoma. Last evaluated: 2025-10-27. Review status: criteria provided, single submitter. Criteria: Invitae Variant Classification Sherloc (09022015). Collection method: clinical testing. Allele origin: germline.
Comment: This sequence change replaces proline, which is neutral and non-polar, with arginine, which is basic and polar, at codon 237 of the SDHB protein (p.Pro237Arg). This variant is not present in population databases (gnomAD no frequency). This variant has not been reported in the literature in individuals affected with SDHB-related conditions. ClinVar contains an entry for this variant (Variation ID: 239438). Invitae Evidence Modeling of protein sequence and biophysical properties (such as structural, functional, and spatial information, amino acid conservation, physicochemical variation, residue mobility, and thermodynamic stability) indicates that this missense variant is not expected to disrupt SDHB protein function with a negative predictive value of 80%. In summary, the available evidence is currently insufficient to determine the role of this variant in disease. Therefore, it has been classified as a Variant of Uncertain Significance.

All of Us Research Program, National Institutes of Health
Classification: Uncertain significance for Hereditary pheochromocytoma and paraganglioma. Last evaluated: 2024-03-24. Review status: criteria provided, single submitter. Criteria: ACMG Guidelines, 2015. Collection method: clinical testing. Allele origin: germline. Inheritance: Autosomal dominant inheritance. Observed: 7 variant alleles, 7 heterozygotes.
Comment: This missense variant replaces proline with arginine at codon 237 of the SDHB protein. Computational prediction suggests that this variant may have deleterious impact on protein structure and function (internally defined REVEL score threshold >= 0.7, PMID: 27666373). To our knowledge, functional studies have not been reported for this variant. This variant has not been reported in individuals affected with SDHB-related disorders in the literature. This variant has not been identified in the general population by the Genome Aggregation Database (gnomAD). The available evidence is insufficient to determine the role of this variant in disease conclusively. Therefore, this variant is classified as a Variant of Uncertain Significance.

This study involves interpretation of variants in research participants for the purpose of population health screening. Participant phenotype was not available at the time of variant classification. Additional details can be found in publication PMID: 35346344, PMCID: PMC8962531

GeneDx
Classification: Uncertain significance. Last evaluated: 2024-03-01. Review status: criteria provided, single submitter. Criteria: GeneDx Variant Classification Process June 2021. Collection method: clinical testing. Allele origin: germline. Affected: yes.
Comment: Not observed at significant frequency in large population cohorts (gnomAD); In silico analysis supports that this missense variant has a deleterious effect on protein structure/function; Has not been previously published as pathogenic or benign to our knowledge

Ambry Genetics
Classification: Uncertain significance for Hereditary cancer-predisposing syndrome. Last evaluated: 2024-02-06. Review status: criteria provided, single submitter. Criteria: Ambry Variant Classification Scheme 2023. Collection method: clinical testing. Allele origin: germline.
Comment: The p.P237R variant (also known as c.710C>G), located in coding exon 7 of the SDHB gene, results from a C to G substitution at nucleotide position 710. The proline at codon 237 is replaced by arginine, an amino acid with dissimilar properties. This amino acid position is highly conserved in available vertebrate species. In addition, this alteration is predicted to be deleterious by in silico analysis. Since supporting evidence is limited at this time, the clinical significance of this alteration remains unclear.

Color Diagnostics, LLC DBA Color Health
Classification: Uncertain significance for Hereditary pheochromocytoma and paraganglioma. Last evaluated: 2024-02-04. Review status: criteria provided, single submitter. Criteria: ACMG Guidelines, 2015. Collection method: clinical testing. Allele origin: germline.
Comment: This missense variant replaces proline with arginine at codon 237 of the SDHB protein. Computational prediction suggests that this variant may have deleterious impact on protein structure and function. To our knowledge, functional studies have not been reported for this variant. This variant has not been reported in individuals affected with SDHB-related disorders in the literature. This variant has not been identified in the general population by the Genome Aggregation Database (gnomAD). The available evidence is insufficient to determine the role of this variant in disease conclusively. Therefore, this variant is classified as a Variant of Uncertain Significance.

NM_003000.3(SDHB):c.710C>G (p.Pro237Arg)

Gene: SDHB (succinate dehydrogenase complex iron sulfur subunit B; minus strand). Cytogenetic location: 1p36.13.
Variant type: single nucleotide variant.
Coding change: c.710C>G on transcript NM_003000.3 (MANE Select); coding-DNA position 710, C replaced by G.
Protein change: p.Pro237Arg; replaces proline 237 with arginine.
Molecular consequence: missense variant.
Genome position (GRCh38, 1-based): chr1:17,022,663, G>C on the plus strand (C>G on the coding strand, the complement: SDHB is on the minus strand). VCF-style: chr1-17022663-G-C. GRCh37 (hg19) VCF-style: chr1-17349158-G-C.
Other names: short protein forms P237R.
Identifiers: ClinVar variation 239438 (VCV000239438.17), dbSNP rs878854579, ClinGen allele CA10581743.